The following is an entry in ClinVar:

NM_005378.6(MYCN):c.543C>T (p.His181=)

Gene: MYCN (MYCN proto-oncogene, bHLH transcription factor; plus strand). Cytogenetic location: 2p24.3.
Variant type: single nucleotide variant.
Coding change: c.543C>T on transcript NM_005378.6 (MANE Select); coding-DNA position 543, C replaced by T.
Protein change: p.His181=; no amino-acid change (histidine 181 retained).
Molecular consequence: synonymous variant. On other transcripts: 3 prime UTR variant (1), intron variant (1).
Genome position (GRCh38, 1-based): chr2:15,942,607, C>T. VCF-style: chr2-15942607-C-T. GRCh37 (hg19) VCF-style: chr2-16082729-C-T.
Other names: c.543C>T, p.His181= (NM_001293228.2); c.*478C>T (NM_001293233.2); c.157+1864C>T (NM_001293231.2).
Identifiers: ClinVar variation 2578845 (VCV002578845.29), dbSNP rs775315003, ClinGen allele CA1538191.

ClinVar aggregate classification (germline): Likely benign. Review status: criteria provided, multiple submitters, no conflicts (2 of 4 stars). 3 submissions from 3 submitters: Likely benign (3). Last evaluated 2026-01-05.

Allele frequency attached by ClinVar (database versions not stated): ExAC 0.00012; TOPMed 0.00012; gnomAD exomes 0.00015; gnomAD 0.00018.
gnomAD v4.1: 170 of 1,095,476 alleles (0.016%); highest among the groups gnomAD compares: Admixed American, 0.094%; no homozygotes.

Submissions (3):

Labcorp Genetics (formerly Invitae), Labcorp
Classification: Likely benign. Last evaluated: 2026-01-05. Review status: criteria provided, single submitter. Criteria: Invitae Variant Classification Sherloc (09022015). Collection method: clinical testing. Allele origin: germline.

CeGaT Center for Human Genetics Tuebingen
Classification: Likely benign. Last evaluated: 2025-06-01. Review status: criteria provided, single submitter. Criteria: CeGaT Center For Human Genetics Tuebingen Variant Classification Criteria Version 2. Collection method: clinical testing. Allele origin: germline. Affected: yes. Observed: 2 variant alleles.
Comment: MYCN: BP4, BP7

Blueprint Genetics
Classification: Likely benign. Last evaluated: 2024-10-15. Review status: criteria provided, single submitter. Criteria: ACMG Guidelines, 2015. Collection method: clinical testing. Allele origin: germline.